The following is an entry in ClinVar:

ClinVar aggregate classification (germline): Benign/Likely benign. Review status: criteria provided, multiple submitters, no conflicts (2 of 4 stars). 24 submissions from 22 submitters: Benign (14); Likely benign (4). 6 of the submissions do not count toward it. Last evaluated 2026-02-04.

Conditions:
Cardiovascular phenotype. Identifiers: MedGen CN230736.
Arrhythmogenic right ventricular cardiomyopathy (ARVD). Also called: Cardiomyopathy, ARVC; Arrhythmogenic cardiomyopathy; Arrhythmogenic right ventricular dysplasia; Arrhythmogenic Right Ventricular Cardiomyopathy (ARVC). Identifiers: Orphanet 247, MedGen C0349788, MeSH D019571, MONDO:0016587. Disease mechanism: loss of function. Inheritance: Various modes of inheritance.
Arrhythmogenic right ventricular dysplasia 8 (ARVD8). Also called: ARRHYTHMOGENIC RIGHT VENTRICULAR DYSPLASIA, FAMILIAL, 8; ARRHYTHMOGENIC RIGHT VENTRICULAR CARDIOMYOPATHY 8; Arrhythmogenic Right Ventricular Dysplasia/Cardiomyopathy 8. Identifiers: MedGen C1843896, MONDO:0011831, OMIM 607450.
Arrhythmogenic cardiomyopathy with wooly hair and keratoderma. Also called: PALMOPLANTAR KERATODERMA WITH LEFT VENTRICULAR CARDIOMYOPATHY AND WOOLLY HAIR; Arrhythmogenic cardiomyopathy with woolly hair and keratoderma; Carvajal syndrome; Dilated cardiomyopathy with woolly hair and keratoderma. Identifiers: Orphanet 65282, MedGen C1854063, MONDO:0011581, OMIM 605676.
Cardiomyopathy (CMYO). Also called: Cardiomyopathies. Identifiers: Orphanet 167848, MedGen C0878544, MONDO:0004994, HP:0001638. Inheritance: Various modes of inheritance.
Lethal acantholytic epidermolysis bullosa (EBLA). Identifiers: Orphanet 158687, MedGen C1864826, MONDO:0012323, OMIM 609638.
Woolly hair-skin fragility syndrome (WHSF). Identifiers: Orphanet 293165, MedGen C1843292, MONDO:0957307, OMIM 620415.

Allele frequency attached by ClinVar (database versions not stated): 1000 Genomes Project 30x 0.01780; 1000 Genomes Project 0.01837; gnomAD 0.02618 and 0.02655; TOPMed 0.02717; ESP Exome Variant Server 0.02968.
gnomAD v4.1: 59,017 of 1,613,890 alleles (3.7%); highest among the groups gnomAD compares: Non-Finnish European, 4.1%; 1,250 homozygotes.

Submissions (24):

Labcorp Genetics (formerly Invitae), Labcorp
Classification: Benign for Arrhythmogenic cardiomyopathy with wooly hair and keratoderma; Arrhythmogenic right ventricular dysplasia 8. Last evaluated: 2026-02-04. Review status: criteria provided, single submitter. Criteria: Invitae Variant Classification Sherloc (09022015). Collection method: clinical testing. Allele origin: germline.

ARUP Laboratories, Molecular Genetics and Genomics, ARUP Laboratories
Classification: Benign. Last evaluated: 2025-05-05. Review status: criteria provided, single submitter. Criteria: ARUP Molecular Germline Variant Investigation Process 2024. Collection method: clinical testing. Allele origin: germline.

Molecular Diagnostic Laboratory for Inherited Cardiovascular Disease, Montreal Heart Institute
Classification: Likely benign. Last evaluated: 2025-02-17. Review status: criteria provided, single submitter. Criteria: ACMG Guidelines, 2015. Collection method: clinical testing. Allele origin: germline. Affected: no.

Blueprint Genetics
Classification: Likely benign. Last evaluated: 2024-11-26. Review status: criteria provided, single submitter. Criteria: ACMG Guidelines, 2015. Collection method: clinical testing. Allele origin: germline.

Cohesion Phenomics
Classification: Benign for Cardiomyopathy. Last evaluated: 2022-09-23. Review status: criteria provided, single submitter. Criteria: ACMG Guidelines, 2015. Collection method: clinical testing. Allele origin: germline. Affected: yes.

GeneDx
Classification: Benign. Last evaluated: 2021-02-10. Review status: criteria provided, single submitter. Criteria: GeneDx Variant Classification Process June 2021. Collection method: clinical testing. Allele origin: germline. Affected: yes.
Comment: This variant is associated with the following publications: (PMID: 33232181, 27153395, 19863551, 25445213)

CHEO Genetics Diagnostic Laboratory, Children's Hospital of Eastern Ontario
Classification: Benign for Cardiomyopathy. Last evaluated: 2019-04-03. Review status: criteria provided, single submitter. Criteria: ACMG Guidelines, 2015. Collection method: clinical testing. Allele origin: germline.

Color Diagnostics, LLC DBA Color Health
Classification: Benign for Cardiomyopathy. Last evaluated: 2018-03-07. Review status: criteria provided, single submitter. Criteria: ACMG Guidelines, 2015. Collection method: clinical testing. Allele origin: germline.

Illumina Laboratory Services, Illumina
Classification: Likely benign for Arrhythmogenic right ventricular dysplasia 8. Last evaluated: 2018-01-12. Review status: criteria provided, single submitter. Criteria: ICSL Variant Classification Criteria 13 December 2019. Collection method: clinical testing. Allele origin: germline.
Comment: This variant was observed in the ICSL laboratory as part of a predisposition screen in an ostensibly healthy population. It had not been previously curated by ICSL or reported in the Human Gene Mutation Database (HGMD: prior to June 1st, 2018), and was therefore a candidate for classification through an automated scoring system. Utilizing variant allele frequency, disease prevalence and penetrance estimates, and inheritance mode, an automated score was calculated to assess if this variant is too frequent to cause the disease. Based on the score and internal cut-off values, a variant classified as likely benign is not then subjected to further curation. The score for this variant resulted in a classification of likely benign for this disease.

Illumina Laboratory Services, Illumina
Classification: Benign for Lethal acantholytic epidermolysis bullosa. Last evaluated: 2018-01-12. Review status: criteria provided, single submitter. Criteria: ICSL Variant Classification Criteria 13 December 2019. Collection method: clinical testing. Allele origin: germline.
Comment: This variant was observed in the ICSL laboratory as part of a predisposition screen in an ostensibly healthy population. It had not been previously curated by ICSL or reported in the Human Gene Mutation Database (HGMD: prior to June 1st, 2018), and was therefore a candidate for classification through an automated scoring system. Utilizing variant allele frequency, disease prevalence and penetrance estimates, and inheritance mode, an automated score was calculated to assess if this variant is too frequent to cause the disease. Based on the score and internal cut-off values, a variant classified as benign is not then subjected to further curation. The score for this variant resulted in a classification of benign for this disease.

Illumina Laboratory Services, Illumina
Classification: Benign for Arrhythmogenic cardiomyopathy with wooly hair and keratoderma. Last evaluated: 2018-01-12. Review status: criteria provided, single submitter. Criteria: ICSL Variant Classification Criteria 13 December 2019. Collection method: clinical testing. Allele origin: germline.
Comment: the same text as in the submission from Illumina Laboratory Services, Illumina above.

Ambry Genetics
Classification: Benign for Cardiovascular phenotype. Last evaluated: 2015-06-23. Review status: criteria provided, single submitter. Criteria: Ambry Variant Classification Scheme 2023. Collection method: clinical testing. Allele origin: germline.

Genomic Diagnostic Laboratory, Division of Genomic Diagnostics, Children's Hospital of Philadelphia
Classification: Benign for Arrhythmogenic right ventricular cardiomyopathy. Last evaluated: 2015-02-19. Review status: criteria provided, single submitter. Criteria: DGD Variant Analysis Guidelines. Collection method: clinical testing. Allele origin: unknown.

Mayo Clinic Laboratories, Mayo Clinic
Classification: Benign. Last evaluated: 2014-08-06. Review status: criteria provided, single submitter. Criteria: ACMG Guidelines, 2015. Collection method: clinical testing. Allele origin: germline. Observed: 80 variant alleles.

Biesecker Lab/Clinical Genomics Section, National Institutes of Health
Classification: Benign. Last evaluated: 2013-06-24. Review status: criteria provided, single submitter. Criteria: Ng et al. (Circ Cardiovasc Genet. 2013). Collection method: research. Allele origin: unknown. Observed: 54 variant alleles. Study: ClinSeq.
Comment: The study set was not selected for affection status in relation to any cancer. Pathogenicity categories were based on literature curation. See Pubmed ID:23861362 for details.

Medical sequencing

Laboratory for Molecular Medicine, Mass General Brigham Personalized Medicine
Classification: Benign. Last evaluated: 2011-10-12. Review status: criteria provided, single submitter. Criteria: LMM Criteria. Collection method: clinical testing. Allele origin: germline. Observed: 134 variant alleles.
Comment: Ile305Phe in exon 7 of DSP: This variant is classified as benign based on its hi gh frequency in the general population (rs17604693, MAF >3%).

Breakthrough Genomics
Classification: Likely benign. Review status: criteria provided, single submitter. Criteria: ACMG Guidelines, 2015. Collection method: not provided. Allele origin: germline. Inheritance: Autosomal recessive inheritance. Affected: yes.

PreventionGenetics, part of Exact Sciences
Classification: Benign. Review status: criteria provided, single submitter. Criteria: ACMG Guidelines, 2015. Collection method: clinical testing. Allele origin: germline.

Women's Health and Genetics/Laboratory Corporation of America, LabCorp
Classification: Benign for Cardiomyopathy. Last evaluated: 2012-01-13. Review status: no assertion criteria provided. Collection method: clinical testing. Allele origin: germline. Not counted in ClinVar's aggregate classification.

Clinical Genetics DNA and cytogenetics Diagnostics Lab, Erasmus MC, Erasmus Medical Center
Classification: Benign. Review status: no assertion criteria provided. Collection method: clinical testing. Allele origin: germline. Affected: yes. Study: VKGL Data-share Consensus. Not counted in ClinVar's aggregate classification.

Clinical Genetics, Academic Medical Center
Classification: Benign. Review status: no assertion criteria provided. Collection method: clinical testing. Allele origin: germline. Affected: yes. Study: VKGL Data-share Consensus. Not counted in ClinVar's aggregate classification.

Diagnostic Laboratory, Department of Genetics, University Medical Center Groningen
Classification: Benign. Review status: no assertion criteria provided. Collection method: clinical testing. Allele origin: germline. Affected: yes. Study: VKGL Data-share Consensus. Not counted in ClinVar's aggregate classification.

Genome Diagnostics Laboratory, University Medical Center Utrecht
Classification: Benign. Review status: no assertion criteria provided. Collection method: clinical testing. Allele origin: germline. Affected: yes. Study: VKGL Data-share Consensus. Not counted in ClinVar's aggregate classification.

Joint Genome Diagnostic Labs from Nijmegen and Maastricht, Radboudumc and MUMC+
Classification: Benign. Review status: no assertion criteria provided. Collection method: clinical testing. Allele origin: germline. Affected: yes. Study: VKGL Data-share Consensus. Not counted in ClinVar's aggregate classification.

NM_004415.4(DSP):c.913A>T (p.Ile305Phe)

Gene: DSP (desmoplakin; plus strand). Cytogenetic location: 6p24.3.
Variant type: single nucleotide variant.
Coding change: c.913A>T on transcript NM_004415.4 (MANE Select); coding-DNA position 913, A replaced by T.
Protein change: p.Ile305Phe; replaces isoleucine 305 with phenylalanine.
Molecular consequence: missense variant.
Genome position (GRCh38, 1-based): chr6:7,565,494, A>T. VCF-style: chr6-7565494-A-T. GRCh37 (hg19) VCF-style: chr6-7565727-A-T.
Other names: c.913A>T, p.Ile305Phe (NM_001008844.3, NM_001319034.2); short protein forms I305F.
Identifiers: ClinVar variation 36026 (VCV000036026.52), dbSNP rs17604693, ClinGen allele CA007842.